The following is an entry in ClinVar:

ClinVar aggregate classification (germline): Pathogenic (1 of 4 stars; one submission).

Conditions:
Familial cancer of breast. Also called: BREAST CANCER, FAMILIAL; Hereditary breast cancer; hereditary breast carcinoma. Identifiers: Orphanet 227535, MedGen C0346153, MONDO:0016419, OMIM 114480. Disease mechanism: loss of function.

Submission:

Myriad Genetics, Inc.
Classification: Pathogenic for Familial cancer of breast. Last evaluated: 2024-01-25. Review status: criteria provided, single submitter. Criteria: Myriad Autosomal Dominant, Autosomal Recessive and X-Linked Classification Criteria (2023). Collection method: clinical testing. Allele origin: unknown.
Comment: This variant is considered pathogenic. This variant creates a termination codon and is predicted to result in premature protein truncation.

NM_000051.4(ATM):c.5374_5385delinsTCCTCTAAGTGA (p.Ile1792_Trp1795delinsSerSerLysTer)

Gene: ATM (ATM serine/threonine kinase; plus strand). Cytogenetic location: 11q22.3.
Variant type: Indel.
Coding change: c.5374_5385delinsTCCTCTAAGTGA on transcript NM_000051.4 (MANE Select); coding-DNA positions 5374 to 5385, ATAAATCTGTGG replaced by TCCTCTAAGTGA.
Protein change: p.Ile1792_Trp1795delinsSerSerLysTer.
Molecular consequence: nonsense.
Genome position (GRCh38, 1-based): chr11:108,302,907-108,302,918, ATAAATCTGTGG replaced by TCCTCTAAGTGA. VCF-style: chr11-108302907-ATAAATCTGTGG-TCCTCTAAGTGA. GRCh37 (hg19) VCF-style: chr11-108173634-ATAAATCTGTGG-TCCTCTAAGTGA.
Other names: c.5374_5385delinsTCCTCTAAGTGA, p.Ile1792_Trp1795delinsSerSerLysTer (NM_001351834.2).
Identifiers: ClinVar variation 3148774 (VCV003148774.1), dbSNP rs2546979428, ClinGen allele CA2825001898.
Genomic context (GRCh38, chr11:108,302,907, plus strand): 5'-TTCTAGTTTTTAGAAGTACCCAGATTTGACAAAGAAAACCCTTTTGAAGGCCTGGATGAT[ATAAATCTGTGG>TCCTCTAAGTGA]ATTCCTCTAAGTGAAAATCATGACATTTGGATAAAGACACTGACTTGTGCTTTTTTGGAC-3'